The following is an entry in ClinVar:

NM_170707.4(LMNA):c.128C>A (p.Ala43Glu)

Gene: LMNA (lamin A/C; plus strand). Cytogenetic location: 1q22.
Variant type: single nucleotide variant.
Coding change: c.128C>A on transcript NM_170707.4 (MANE Select); coding-DNA position 128, C replaced by A.
Protein change: p.Ala43Glu; replaces alanine 43 with glutamic acid.
Molecular consequence: missense variant.
Genome position (GRCh38, 1-based): chr1:156,115,046, C>A. VCF-style: chr1-156115046-C-A. GRCh37 (hg19) VCF-style: chr1-156084837-C-A.
Other names: c.128C>A, p.Ala43Glu (NM_001282625.2, NM_001282626.2, NM_005572.4 and 1 more transcripts); short protein forms A43E.
Identifiers: ClinVar variation 1457766 (VCV001457766.8), dbSNP rs2102817667, ClinGen allele CA342807802.

ClinVar aggregate classification (germline): Pathogenic (1 of 4 stars; one submission).

Conditions:
Charcot-Marie-Tooth disease type 2. Also called: Charcot-Marie-Tooth type 2. Identifiers: Orphanet 64746, MedGen C0270914, MONDO:0018993.

gnomAD v4.1: 1 of 1,595,238 alleles (0.000063%); highest among the groups gnomAD compares: Admixed American, 0.0017%; no homozygotes.

Submission:

Labcorp Genetics (formerly Invitae), Labcorp
Classification: Pathogenic for Charcot-Marie-Tooth disease type 2. Last evaluated: 2025-12-01. Review status: criteria provided, single submitter. Criteria: Invitae Variant Classification Sherloc (09022015). Collection method: clinical testing. Allele origin: germline.
Comment: This sequence change replaces alanine, which is neutral and non-polar, with glutamic acid, which is acidic and polar, at codon 43 of the LMNA protein (p.Ala43Glu). This variant is not present in population databases (gnomAD no frequency). This missense change has been observed in individual(s) with autosomal dominant LMNA-related conditions (PMID: 28688748; internal data). In at least one individual the variant was observed to be de novo. ClinVar contains an entry for this variant (Variation ID: 1457766). Invitae Evidence Modeling of protein sequence and biophysical properties (such as structural, functional, and spatial information, amino acid conservation, physicochemical variation, residue mobility, and thermodynamic stability) indicates that this missense variant is expected to disrupt LMNA protein function with a positive predictive value of 95%. This variant disrupts the p.Ala43 amino acid residue in LMNA. Other variant(s) that disrupt this residue have been determined to be pathogenic (PMID: 11503164; internal data). This suggests that this residue is clinically significant, and that variants that disrupt this residue are likely to be disease-causing. For these reasons, this variant has been classified as Pathogenic.

Literature cited by the submitters: PubMed 28688748; PubMed 11503164.